The following is an entry in ClinVar:

ClinVar aggregate classification (germline): Uncertain significance. Review status: criteria provided, multiple submitters, no conflicts (2 of 4 stars). 2 submissions from 2 submitters: Uncertain significance (2). Last evaluated 2023-10-30.

Conditions:
Cardiovascular phenotype. Identifiers: MedGen CN230736.

Allele frequency attached by ClinVar (database versions not stated): gnomAD exomes below 0.00001; gnomAD 0.00001.
gnomAD v4.1: 2 of 1,612,156 alleles (0.00012%); highest among the groups gnomAD compares: Non-Finnish European, 0.00017%; no homozygotes.

Submissions (2):

Labcorp Genetics (formerly Invitae), Labcorp
Classification: Uncertain significance. Last evaluated: 2023-10-30. Review status: criteria provided, single submitter. Criteria: Invitae Variant Classification Sherloc (09022015). Collection method: clinical testing. Allele origin: germline.
Comment: This sequence change replaces aspartic acid, which is acidic and polar, with valine, which is neutral and non-polar, at codon 1527 of the ALPK3 protein (p.Asp1527Val). This variant is not present in population databases (gnomAD no frequency). This variant has not been reported in the literature in individuals affected with ALPK3-related conditions. ClinVar contains an entry for this variant (Variation ID: 1741641). An algorithm developed to predict the effect of missense changes on protein structure and function (PolyPhen-2) suggests that this variant is likely to be disruptive. In summary, the available evidence is currently insufficient to determine the role of this variant in disease. Therefore, it has been classified as a Variant of Uncertain Significance.

Ambry Genetics
Classification: Uncertain significance for Cardiovascular phenotype. Last evaluated: 2021-12-29. Review status: criteria provided, single submitter. Criteria: Ambry Variant Classification Scheme 2023. Collection method: clinical testing. Allele origin: germline.
Comment: The p.D1527V variant (also known as c.4580A>T), located in coding exon 8 of the ALPK3 gene, results from an A to T substitution at nucleotide position 4580. The aspartic acid at codon 1527 is replaced by valine, an amino acid with highly dissimilar properties. This amino acid position is conserved. In addition, the in silico prediction for this alteration is inconclusive. Since supporting evidence is limited at this time, the clinical significance of this alteration remains unclear.

NM_020778.5(ALPK3):c.3974A>T (p.Asp1325Val)

Gene: ALPK3 (alpha kinase 3; plus strand). Cytogenetic location: 15q25.3.
Variant type: single nucleotide variant.
Coding change: c.3974A>T on transcript NM_020778.5 (MANE Select); coding-DNA position 3974, A replaced by T.
Protein change: p.Asp1325Val; replaces aspartic acid 1325 with valine.
Molecular consequence: missense variant.
Genome position (GRCh38, 1-based): chr15:84,859,784, A>T. VCF-style: chr15-84859784-A-T. GRCh37 (hg19) VCF-style: chr15-85403015-A-T.
Other names: short protein forms D1325V.
Identifiers: ClinVar variation 1741641 (VCV001741641.5), dbSNP rs1963919884, ClinGen allele CA393361810.